The following is an entry in ClinVar:

NM_000890.5(KCNJ5):c.878A>G (p.Gln293Arg)

Gene: KCNJ5 (potassium inwardly rectifying channel subfamily J member 5; plus strand). Cytogenetic location: 11q24.3.
Variant type: single nucleotide variant.
Coding change: c.878A>G on transcript NM_000890.5 (MANE Select); coding-DNA position 878, A replaced by G.
Protein change: p.Gln293Arg; replaces glutamine 293 with arginine.
Molecular consequence: missense variant.
Genome position (GRCh38, 1-based): chr11:128,912,151, A>G. VCF-style: chr11-128912151-A-G. GRCh37 (hg19) VCF-style: chr11-128782046-A-G.
Other names: c.878A>G, p.Gln293Arg (NM_001354169.2); short protein forms Q293R.
Identifiers: ClinVar variation 3862861 (VCV003862861.1).
Genomic context (GRCh38, chr11:128,912,151, plus strand): 5'-CTCTGATCATCTCCCATGAGATCAACCAGAAGAGCCCTTTCTGGGAGATGTCTCAGGCTC[A>G]GCTGCATCAGGAAGAGTTTGAAGTTGTGGTCATTCTAGAAGGGATGGTGGAAGCCACAGG-3'
Protein context (NP_000881.3, residues 283-303): KSPFWEMSQA[Gln293Arg]LHQEEFEVVV

ClinVar aggregate classification (germline): Uncertain significance (1 of 4 stars; one submission).

Conditions:
Cardiovascular phenotype. Identifiers: MedGen CN230736.

Submission:

Ambry Genetics
Classification: Uncertain significance for Cardiovascular phenotype. Last evaluated: 2024-12-17. Review status: criteria provided, single submitter. Criteria: Ambry Variant Classification Scheme 2023. Collection method: clinical testing. Allele origin: germline.
Comment: The p.Q293R variant (also known as c.878A>G), located in coding exon 1 of the KCNJ5 gene, results from an A to G substitution at nucleotide position 878. The glutamine at codon 293 is replaced by arginine, an amino acid with highly similar properties. This amino acid position is well conserved in available vertebrate species. In addition, this alteration is predicted to be tolerated by in silico analysis. Based on the available evidence, the clinical significance of this variant remains unclear.